The following is an entry in ClinVar:

ClinVar aggregate classification (germline): Uncertain significance. Review status: criteria provided, multiple submitters, no conflicts (2 of 4 stars). 5 submissions from 5 submitters: Uncertain significance (5). Last evaluated 2025-07-28.

Conditions:
Tuberous sclerosis syndrome (TSC). Also called: Tuberous sclerosis; Tuberous Sclerosis Complex. Identifiers: Orphanet 805, MedGen C0041341, MONDO:0001734.
Tuberous sclerosis 2 (TSC2). Identifiers: Orphanet 805, MedGen C1860707, MONDO:0013199, OMIM 613254.
Hereditary cancer-predisposing syndrome. Also called: Neoplastic Syndromes, Hereditary; Hereditary Cancer Syndrome; Hereditary neoplastic syndrome; Tumor predisposition. Identifiers: Orphanet 140162, MedGen C0027672, MeSH D009386, MONDO:0015356.

Allele frequency attached by ClinVar (database versions not stated): gnomAD exomes below 0.00001.
gnomAD v4.1: 2 of 1,581,872 alleles (0.00013%); highest among the groups gnomAD compares: Non-Finnish European, 0.00017%; no homozygotes.

Submissions (5):

Ambry Genetics
Classification: Uncertain significance for Hereditary cancer-predisposing syndrome. Last evaluated: 2025-07-28. Review status: criteria provided, single submitter. Criteria: Ambry Variant Classification Scheme 2023. Collection method: clinical testing. Allele origin: germline.
Comment: The p.S1296F variant (also known as c.3887C>T), located in coding exon 32 of the TSC2 gene, results from a C to T substitution at nucleotide position 3887. The serine at codon 1296 is replaced by phenylalanine, an amino acid with highly dissimilar properties. This amino acid position is conserved. In addition, this alteration is predicted to be deleterious by in silico analysis. Since supporting evidence is limited at this time, the clinical significance of this alteration remains unclear.

Labcorp Genetics (formerly Invitae), Labcorp
Classification: Uncertain significance for Tuberous sclerosis 2. Last evaluated: 2025-07-17. Review status: criteria provided, single submitter. Criteria: Invitae Variant Classification Sherloc (09022015). Collection method: clinical testing. Allele origin: germline.
Comment: This sequence change replaces serine, which is neutral and polar, with phenylalanine, which is neutral and non-polar, at codon 1296 of the TSC2 protein (p.Ser1296Phe). This variant is not present in population databases (gnomAD no frequency). This variant has not been reported in the literature in individuals affected with TSC2-related conditions. ClinVar contains an entry for this variant (Variation ID: 646426). Invitae Evidence Modeling of protein sequence and biophysical properties (such as structural, functional, and spatial information, amino acid conservation, physicochemical variation, residue mobility, and thermodynamic stability) indicates that this missense variant is not expected to disrupt TSC2 protein function with a negative predictive value of 95%. In summary, the available evidence is currently insufficient to determine the role of this variant in disease. Therefore, it has been classified as a Variant of Uncertain Significance.

All of Us Research Program, National Institutes of Health
Classification: Uncertain significance for Tuberous sclerosis syndrome. Last evaluated: 2024-04-10. Review status: criteria provided, single submitter. Criteria: ACMG Guidelines, 2015. Collection method: clinical testing. Allele origin: germline. Inheritance: Autosomal dominant inheritance. Observed: 2 variant alleles, 2 heterozygotes.
Comment: This study involves interpretation of variants in research participants for the purpose of population health screening. Participant phenotype was not available at the time of variant classification. Additional details can be found in publication PMID: 35346344, PMCID: PMC8962531

Genome-Nilou Lab
Classification: Uncertain significance for Tuberous sclerosis 2. Last evaluated: 2021-11-07. Review status: criteria provided, single submitter. Criteria: ACMG Guidelines, 2015. Collection method: clinical testing. Allele origin: germline. Affected: no.

GeneDx
Classification: Uncertain significance. Last evaluated: 2019-06-17. Review status: criteria provided, single submitter. Criteria: GeneDx Variant Classification Process June 2021. Collection method: clinical testing. Allele origin: germline. Affected: yes.
Comment: Not observed in large population cohorts (Lek et al., 2016); Has not been previously published as pathogenic or benign to our knowledge

NM_000548.5(TSC2):c.3887C>T (p.Ser1296Phe)

Gene: TSC2 (TSC complex subunit 2; plus strand). Cytogenetic location: 16p13.3.
Variant type: single nucleotide variant.
Coding change: c.3887C>T on transcript NM_000548.5 (MANE Select); coding-DNA position 3887, C replaced by T.
Protein change: p.Ser1296Phe; replaces serine 1296 with phenylalanine.
Molecular consequence: missense variant.
Genome position (GRCh38, 1-based): chr16:2,083,698, C>T. VCF-style: chr16-2083698-C-T. GRCh37 (hg19) VCF-style: chr16-2133699-C-T.
Other names: c.3686C>T, p.Ser1229Phe (NM_001077183.3); c.3818C>T, p.Ser1273Phe (NM_001114382.3); c.3578C>T, p.Ser1193Phe (NM_001318827.2); c.3542C>T, p.Ser1181Phe (NM_001318829.2); c.3155C>T, p.Ser1052Phe (NM_001318831.2); c.3719C>T, p.Ser1240Phe (NM_001318832.2); c.3689C>T, p.Ser1230Phe (NM_001363528.2); c.3755C>T, p.Ser1252Phe (NM_001370404.1); and 1 more; short protein forms S1181F, S1193F, S1273F, S1229F, S1252F, S1296F, S1253F, S1052F.
Identifiers: ClinVar variation 646426 (VCV000646426.16), dbSNP rs1027773484, ClinGen allele CA276752697.